The following is an entry in ClinVar:

NM_004984.4(KIF5A):c.1844G>A (p.Cys615Tyr)

Gene: KIF5A (kinesin family member 5A; plus strand). Cytogenetic location: 12q13.3.
Variant type: single nucleotide variant.
Coding change: c.1844G>A on transcript NM_004984.4 (MANE Select); coding-DNA position 1844, G replaced by A.
Protein change: p.Cys615Tyr; replaces cysteine 615 with tyrosine.
Molecular consequence: missense variant.
Genome position (GRCh38, 1-based): chr12:57,575,211, G>A. VCF-style: chr12-57575211-G-A. GRCh37 (hg19) VCF-style: chr12-57968994-G-A.
Other names: c.1577G>A, p.Cys526Tyr (NM_001354705.2); short protein forms C526Y, C615Y.
Identifiers: ClinVar variation 4691041 (VCV004691041.1).
Genomic context (GRCh38, chr12:57,575,211, plus strand): 5'-AATCAGAAGTCAAGTCTGTGGTCAAGCGGTGCCGGCAGCTGGAGAACCTCCAGGTGGAGT[G>A]TCACCGCAAGATGGAAGTGACCGGGCGGGAGCTCTCATCCTGCCAGCTCCTCATCTCTCA-3'
Protein context (NP_004975.2, residues 605-625): CRQLENLQVE[Cys615Tyr]HRKMEVTGRE

ClinVar aggregate classification (germline): Uncertain significance (1 of 4 stars; one submission).

Conditions:
Spastic paraplegia. Identifiers: MedGen C0037772, HP:0001258.

Submission:

Labcorp Genetics (formerly Invitae), Labcorp
Classification: Uncertain significance for Spastic paraplegia. Last evaluated: 2025-07-15. Review status: criteria provided, single submitter. Criteria: Invitae Variant Classification Sherloc (09022015). Collection method: clinical testing. Allele origin: germline.
Comment: This sequence change replaces cysteine, which is neutral and slightly polar, with tyrosine, which is neutral and polar, at codon 615 of the KIF5A protein (p.Cys615Tyr). This variant is not present in population databases (gnomAD no frequency). This variant has not been reported in the literature in individuals affected with KIF5A-related conditions. Invitae Evidence Modeling of protein sequence and biophysical properties (such as structural, functional, and spatial information, amino acid conservation, physicochemical variation, residue mobility, and thermodynamic stability) indicates that this missense variant is not expected to disrupt KIF5A protein function with a negative predictive value of 95%. In summary, the available evidence is currently insufficient to determine the role of this variant in disease. Therefore, it has been classified as a Variant of Uncertain Significance.